The following is an entry in ClinVar:

ClinVar aggregate classification (germline): Uncertain significance (1 of 4 stars; one submission).

Submission:

GeneDx
Classification: Uncertain significance. Last evaluated: 2023-12-27. Review status: criteria provided, single submitter. Criteria: GeneDx Variant Classification Process June 2021. Collection method: clinical testing. Allele origin: germline. Affected: yes.
Comment: Not observed at significant frequency in large population cohorts (gnomAD); In silico analysis supports that this missense variant does not alter protein structure/function; Has not been previously published as pathogenic or benign to our knowledge

NM_001083961.2(WDR62):c.646G>C (p.Val216Leu)

Gene: WDR62 (WD repeat domain 62; plus strand). Cytogenetic location: 19q13.12.
Variant type: single nucleotide variant.
Coding change: c.646G>C on transcript NM_001083961.2 (MANE Select); coding-DNA position 646, G replaced by C.
Protein change: p.Val216Leu; replaces valine 216 with leucine.
Molecular consequence: missense variant.
Genome position (GRCh38, 1-based): chr19:36,067,390, G>C. VCF-style: chr19-36067390-G-C. GRCh37 (hg19) VCF-style: chr19-36558292-G-C.
Other names: c.646G>C, p.Val216Leu (NM_001411145.1, NM_001411146.1, NM_001411147.1 and 1 more transcripts); short protein forms V216L.
Identifiers: ClinVar variation 3370213 (VCV003370213.1).
Genomic context (GRCh38, chr19:36,067,390, plus strand): 5'-AAGGTATCTTGTAGAGTCATTGCCCTCTCCTTCTCAGAGGACAGCAGCTATTTTGTCACT[G>C]TTGGGAACCGCCATGTGAGGTTCTGGTTCTTGGAAGTCTCCACTGAGACAAAGGTGAGTT-3'
Protein context (NP_001077430.1, residues 206-226): FSEDSSYFVT[Val216Leu]GNRHVRFWFL